The following is an entry in ClinVar:

NM_001355436.2(SPTB):c.2116C>T (p.Arg706Cys)

Gene: SPTB (spectrin beta, erythrocytic; minus strand). Cytogenetic location: 14q23.3.
Variant type: single nucleotide variant.
Coding change: c.2116C>T on transcript NM_001355436.2 (MANE Select); coding-DNA position 2116, C replaced by T.
Protein change: p.Arg706Cys; replaces arginine 706 with cysteine.
Molecular consequence: missense variant.
Genome position (GRCh38, 1-based): chr14:64,793,547, G>A on the plus strand (C>T on the coding strand, the complement: SPTB is on the minus strand). VCF-style: chr14-64793547-G-A. GRCh37 (hg19) VCF-style: chr14-65260265-G-A.
Other names: p.Arg706Cys; c.2116C>T, p.Arg706Cys (NM_001024858.4, NM_001355437.2); short protein forms R706C.
Identifiers: ClinVar variation 313752 (VCV000313752.13), dbSNP rs184962510, ClinGen allele CA7230944.

ClinVar aggregate classification (germline): Uncertain significance. Review status: criteria provided, multiple submitters, no conflicts (2 of 4 stars). 4 submissions from 4 submitters: Uncertain significance (4). Last evaluated 2025-09-25.

Conditions:
Inborn genetic diseases. Identifiers: MedGen C0950123, MeSH D030342.

Allele frequency attached by ClinVar (database versions not stated): ExAC 0.00005; gnomAD exomes 0.00007 and 0.00010; TOPMed 0.00013; gnomAD 0.00014; ESP Exome Variant Server 0.00015; 1000 Genomes Project 0.00040; 1000 Genomes Project 30x 0.00078.
gnomAD v4.1: 124 of 1,614,088 alleles (0.0077%); highest among the groups gnomAD compares: Middle Eastern, 0.049%; 1 homozygote.

Submissions (4):

Labcorp Genetics (formerly Invitae), Labcorp
Classification: Uncertain significance. Last evaluated: 2025-09-25. Review status: criteria provided, single submitter. Criteria: Invitae Variant Classification Sherloc (09022015). Collection method: clinical testing. Allele origin: germline.
Comment: This sequence change replaces arginine, which is basic and polar, with cysteine, which is neutral and slightly polar, at codon 706 of the SPTB protein (p.Arg706Cys). This variant is present in population databases (rs184962510, gnomAD 0.04%). This variant has not been reported in the literature in individuals affected with SPTB-related conditions. ClinVar contains an entry for this variant (Variation ID: 313752). An algorithm developed to predict the effect of missense changes on protein structure and function (PolyPhen-2) suggests that this variant is likely to be disruptive. In summary, the available evidence is currently insufficient to determine the role of this variant in disease. Therefore, it has been classified as a Variant of Uncertain Significance.

ARUP Laboratories, Molecular Genetics and Genomics, ARUP Laboratories
Classification: Uncertain significance. Last evaluated: 2024-02-21. Review status: criteria provided, single submitter. Criteria: ARUP Molecular Germline Variant Investigation Process 2024. Collection method: clinical testing. Allele origin: germline.

Ambry Genetics
Classification: Uncertain significance for Inborn genetic diseases. Last evaluated: 2024-01-12. Review status: criteria provided, single submitter. Criteria: Ambry Variant Classification Scheme 2023. Collection method: clinical testing. Allele origin: germline.

Mayo Clinic Laboratories, Mayo Clinic
Classification: Uncertain significance. Last evaluated: 2023-06-26. Review status: criteria provided, single submitter. Criteria: ACMG Guidelines, 2015. Collection method: clinical testing. Allele origin: germline. Observed: 1 variant allele.
Comment: BP4